The following is an entry in ClinVar:

ClinVar aggregate classification (germline): Uncertain significance (1 of 4 stars; one submission).

Conditions:
Episodic kinesigenic dyskinesia (EKD). Also called: Paroxysmal kinesigenic dyskinesia. Identifiers: Orphanet 98809, MedGen C1868682, MONDO:0044202.

Allele frequency attached by ClinVar (database versions not stated): gnomAD exomes 0.00001; ExAC 0.00002; gnomAD 0.00003.

Submission:

Labcorp Genetics (formerly Invitae), Labcorp
Classification: Uncertain significance for Episodic kinesigenic dyskinesia. Last evaluated: 2020-02-21. Review status: criteria provided, single submitter. Criteria: Invitae Variant Classification Sherloc (09022015). Collection method: clinical testing. Allele origin: germline.
Comment: This sequence change replaces glycine with tryptophan at codon 323 of the PRRT2 protein (p.Gly323Trp). The glycine residue is highly conserved and there is a large physicochemical difference between glycine and tryptophan. This variant is present in population databases (rs757940549, ExAC 0.003%). This variant has not been reported in the literature in individuals with PRRT2-related disease. Algorithms developed to predict the effect of missense changes on protein structure and function do not agree on the potential impact of this missense change (SIFT: "Deleterious"; PolyPhen-2: "Probably Damaging"; Align-GVGD: "Class C15"). In summary, the available evidence is currently insufficient to determine the role of this variant in disease. Therefore, it has been classified as a Variant of Uncertain Significance.

NM_145239.3(PRRT2):c.967G>T (p.Gly323Trp)

Genes: MVP-DT (MVP divergent transcript; minus strand), PRRT2 (proline rich transmembrane protein 2; plus strand). Cytogenetic location: 16p11.2.
Variant type: single nucleotide variant.
Coding change: c.967G>T on transcript NM_145239.3 (MANE Select); coding-DNA position 967, G replaced by T.
Protein change: p.Gly323Trp; replaces glycine 323 with tryptophan.
Molecular consequence: missense variant. On other transcripts: 3 prime UTR variant (1).
Genome position (GRCh38, 1-based): chr16:29,814,420, G>T. VCF-style: chr16-29814420-G-T. GRCh37 (hg19) VCF-style: chr16-29825741-G-T.
Other names: c.967G>T, p.Gly323Trp (NM_001256442.2); c.*466G>T (NM_001256443.2); short protein forms G323W.
Identifiers: ClinVar variation 536488 (VCV000536488.10), dbSNP rs757940549, ClinGen allele CA7994632.